The following is an entry in ClinVar:

NM_005157.6(ABL1):c.2515G>A (p.Gly839Ser)

Gene: ABL1 (ABL proto-oncogene 1, non-receptor tyrosine kinase; plus strand). Cytogenetic location: 9q34.12.
Variant type: single nucleotide variant.
Coding change: c.2515G>A on transcript NM_005157.6 (MANE Select); coding-DNA position 2515, G replaced by A.
Protein change: p.Gly839Ser; replaces glycine 839 with serine.
Molecular consequence: missense variant.
Genome position (GRCh38, 1-based): chr9:130,884,805, G>A. VCF-style: chr9-130884805-G-A. GRCh37 (hg19) VCF-style: chr9-133760192-G-A.
Other names: c.2572G>A, p.Gly858Ser (NM_007313.3); short protein forms G839S, G858S.
Identifiers: ClinVar variation 2849138 (VCV002849138.3), dbSNP rs757954939, ClinGen allele CA375256941.

ClinVar aggregate classification (germline): Uncertain significance (1 of 4 stars; one submission).

Submission:

Labcorp Genetics (formerly Invitae), Labcorp
Classification: Uncertain significance. Last evaluated: 2023-03-24. Review status: criteria provided, single submitter. Criteria: Invitae Variant Classification Sherloc (09022015). Collection method: clinical testing. Allele origin: germline.
Comment: This sequence change replaces glycine, which is neutral and non-polar, with serine, which is neutral and polar, at codon 858 of the ABL1 protein (p.Gly858Ser). This variant is not present in population databases (gnomAD no frequency). This variant has not been reported in the literature in individuals affected with ABL1-related conditions. Advanced modeling of protein sequence and biophysical properties (such as structural, functional, and spatial information, amino acid conservation, physicochemical variation, residue mobility, and thermodynamic stability) performed at Invitae indicates that this missense variant is not expected to disrupt ABL1 protein function. In summary, the available evidence is currently insufficient to determine the role of this variant in disease. Therefore, it has been classified as a Variant of Uncertain Significance.